The following is an entry in ClinVar:

NM_002474.3(MYH11):c.2068C>G (p.Leu690Val)

Gene: MYH11 (myosin heavy chain 11; minus strand). Cytogenetic location: 16p13.11.
Variant type: single nucleotide variant.
Coding change: c.2068C>G on transcript NM_002474.3 (MANE Select); coding-DNA position 2068, C replaced by G.
Protein change: p.Leu690Val; replaces leucine 690 with valine.
Molecular consequence: missense variant.
Genome position (GRCh38, 1-based): chr16:15,748,159, G>C on the plus strand (C>G on the coding strand, the complement: MYH11 is on the minus strand). VCF-style: chr16-15748159-G-C. GRCh37 (hg19) VCF-style: chr16-15842016-G-C.
Other names: c.2089C>G, p.Leu697Val (NM_001040113.2, NM_001040114.2); c.2068C>G, p.Leu690Val (NM_022844.3); short protein forms L690V, L697V.
Identifiers: ClinVar variation 1172031 (VCV001172031.8), dbSNP rs775964675, ClinGen allele CA7922393.

ClinVar aggregate classification (germline): Uncertain significance. Review status: criteria provided, multiple submitters, no conflicts (2 of 4 stars). 4 submissions from 4 submitters: Uncertain significance (3). 1 of the submissions does not count toward it. Last evaluated 2025-05-15.

Conditions:
Familial thoracic aortic aneurysm and aortic dissection (TAAD). Also called: Thoracic aortic aneurysms and dissections. Identifiers: Orphanet 91387, MedGen C4707243, MONDO:0019625.
MYH11-related disorder. Also called: MYH11-related condition.
Aortic aneurysm, familial thoracic 4 (AAT4). Also called: AORTIC ANEURYSM/AORTIC DISSECTION AND PATENT DUCTUS ARTERIOSUS. Identifiers: MedGen C1851504, MONDO:0007568, OMIM 132900.

Allele frequency attached by ClinVar (database versions not stated): TOPMed 0.00001; gnomAD exomes 0.00002 and 0.00004; ExAC 0.00003.
gnomAD v4.1: 12 of 1,613,834 alleles (0.00074%); highest among the groups gnomAD compares: Admixed American, 0.02%; no homozygotes.

Submissions (4):

Labcorp Genetics (formerly Invitae), Labcorp
Classification: Uncertain significance for Aortic aneurysm, familial thoracic 4. Last evaluated: 2025-05-15. Review status: criteria provided, single submitter. Criteria: Invitae Variant Classification Sherloc (09022015). Collection method: clinical testing. Allele origin: germline.
Comment: This sequence change replaces leucine, which is neutral and non-polar, with valine, which is neutral and non-polar, at codon 697 of the MYH11 protein (p.Leu697Val). This variant is present in population databases (rs775964675, gnomAD 0.03%). This variant has not been reported in the literature in individuals affected with MYH11-related conditions. ClinVar contains an entry for this variant (Variation ID: 1172031). Invitae Evidence Modeling of protein sequence and biophysical properties (such as structural, functional, and spatial information, amino acid conservation, physicochemical variation, residue mobility, and thermodynamic stability) indicates that this missense variant is not expected to disrupt MYH11 protein function with a negative predictive value of 95%. In summary, the available evidence is currently insufficient to determine the role of this variant in disease. Therefore, it has been classified as a Variant of Uncertain Significance.

All of Us Research Program, National Institutes of Health
Classification: Uncertain significance for Familial thoracic aortic aneurysm and aortic dissection. Last evaluated: 2024-07-20. Review status: criteria provided, single submitter. Criteria: ACMG Guidelines, 2015. Collection method: clinical testing. Allele origin: germline. Inheritance: Autosomal dominant inheritance. Observed: 2 variant alleles, 2 heterozygotes.
Comment: This missense variant replaces leucine with valine at codon 697 of the MYH11 protein. Computational prediction suggests that this variant may not impact protein structure and function (internally defined REVEL score threshold <= 0.5, PMID: 27666373). To our knowledge, functional studies have not been reported for this variant. This variant has not been reported in individuals affected with cardiovascular disorders in the literature. This variant has been identified in 10/250666 chromosomes in the general population by the Genome Aggregation Database (gnomAD). The available evidence is insufficient to determine the role of this variant in disease conclusively. Therefore, this variant is classified as a Variant of Uncertain Significance.

This study involves interpretation of variants in research participants for the purpose of population health screening. Participant phenotype was not available at the time of variant classification. Additional details can be found in publication PMID: 35346344, PMCID: PMC8962531

Color Diagnostics, LLC DBA Color Health
Classification: Uncertain significance for Familial thoracic aortic aneurysm and aortic dissection. Last evaluated: 2024-03-06. Review status: criteria provided, single submitter. Criteria: ACMG Guidelines, 2015. Collection method: clinical testing. Allele origin: germline.
Comment: This missense variant replaces leucine with valine at codon 697 of the MYH11 protein. Computational prediction suggests that this variant may not impact protein structure and function (internally defined REVEL score threshold <= 0.5, PMID: 27666373). To our knowledge, functional studies have not been reported for this variant. This variant has not been reported in individuals affected with cardiovascular disorders in the literature. This variant has been identified in 10/250666 chromosomes in the general population by the Genome Aggregation Database (gnomAD). The available evidence is insufficient to determine the role of this variant in disease conclusively. Therefore, this variant is classified as a Variant of Uncertain Significance.

PreventionGenetics, part of Exact Sciences
Classification: Uncertain significance for MYH11-related condition. Last evaluated: 2024-07-24. Review status: no assertion criteria provided. Collection method: clinical testing. Allele origin: germline. Not counted in ClinVar's aggregate classification.
Comment: The MYH11 c.2089C>G variant is predicted to result in the amino acid substitution p.Leu697Val. To our knowledge, this variant has not been reported in the literature. This variant is reported in 0.029% of alleles in individuals of Latino descent in gnomAD. At this time, the clinical significance of this variant is uncertain due to the absence of conclusive functional and genetic evidence.